The following is an entry in ClinVar:

NM_014244.5(ADAMTS2):c.2643C>A (p.Cys881Ter)

Gene: ADAMTS2 (ADAM metallopeptidase with thrombospondin type 1 motif 2; minus strand). Cytogenetic location: 5q35.3.
Variant type: single nucleotide variant.
Coding change: c.2643C>A on transcript NM_014244.5 (MANE Select); coding-DNA position 2643, C replaced by A.
Protein change: p.Cys881Ter; replaces cysteine 881 with a stop codon.
Molecular consequence: nonsense.
Genome position (GRCh38, 1-based): chr5:179,126,105, G>T on the plus strand (C>A on the coding strand, the complement: ADAMTS2 is on the minus strand). VCF-style: chr5-179126105-G-T. GRCh37 (hg19) VCF-style: chr5-178553106-G-T.
Other names: short protein forms C881*.
Identifiers: ClinVar variation 5012424 (VCV005012424.1).

ClinVar aggregate classification (germline): Pathogenic (1 of 4 stars; one submission).

Conditions:
Ehlers-Danlos syndrome, dermatosparaxis type. Also called: EDS VIIC; Dermatosparaxis; Ehlers-Danlos syndrome, type VII, autosomal recessive. Identifiers: Orphanet 1901, MedGen C2700425, MONDO:0009161, OMIM 225410.

Submission:

Myriad Genetics, Inc.
Classification: Pathogenic for Ehlers-Danlos syndrome, dermatosparaxis type. Last evaluated: 2023-10-25. Review status: criteria provided, single submitter. Criteria: Myriad Autosomal Dominant, Autosomal Recessive and X-Linked Classification Criteria (2023). Collection method: clinical testing. Allele origin: unknown.
Comment: NM_014244.4(ADAMTS2):c.2643C>A(C881*) is expected to be pathogenic in the context of Ehlers-Danlos syndrome, ADAMTS2-related. This variant is predicted to lead to an abnormal or absent protein product due to the creation of a premature termination codon in ADAMTS2, a gene where loss-of-function variants are known to be pathogenic. Please note: this variant was assessed in the context of healthy population screening.